The following is an entry in ClinVar:

ClinVar aggregate classification (germline): Likely benign. Review status: criteria provided, multiple submitters, no conflicts (2 of 4 stars). 2 submissions from 2 submitters: Likely benign (2). Last evaluated 2024-11-08.

Conditions:
Renal cell carcinoma. Identifiers: Orphanet 217071, MedGen C0007134, MeSH D002292, MONDO:0005086, HP:0005584.
Papillary renal cell carcinoma type 1 (RCCP1). Also called: Renal adenocarcinoma; Renal cell carcinoma 1; Renal cell carcinoma, somatic; RENAL CELL CARCINOMA, PAPILLARY, 1, SOMATIC. Identifiers: Orphanet 47044, MedGen C1336839, OMIM 605074, HP:0011797.

Allele frequency attached by ClinVar (database versions not stated): TOPMed below 0.00001; gnomAD 0.00001.
gnomAD v4.1: 1 of 1,613,938 alleles (0.000062%); highest among the groups gnomAD compares: Admixed American, 0.0017%; no homozygotes.

Submissions (2):

Myriad Genetics, Inc.
Classification: Likely benign for Papillary renal cell carcinoma type 1. Last evaluated: 2024-11-08. Review status: criteria provided, single submitter. Criteria: Myriad Autosomal Dominant, Autosomal Recessive and X-Linked Classification Criteria (2023). Collection method: clinical testing. Allele origin: unknown.
Comment: This variant is considered likely benign. This variant is intronic and is not expected to impact mRNA splicing.

Labcorp Genetics (formerly Invitae), Labcorp
Classification: Likely benign for Renal cell carcinoma. Last evaluated: 2024-09-27. Review status: criteria provided, single submitter. Criteria: Invitae Variant Classification Sherloc (09022015). Collection method: clinical testing. Allele origin: germline.

NM_000245.4(MET):c.1862+8T>G

Gene: MET (MET proto-oncogene, receptor tyrosine kinase; plus strand). Cytogenetic location: 7q31.2.
Variant type: single nucleotide variant.
Coding change: c.1862+8T>G on transcript NM_000245.4 (MANE Select); 8 bases into the intron after coding-DNA position 1862, T replaced by G.
Molecular consequence: intron variant.
Genome position (GRCh38, 1-based): chr7:116,755,523, T>G. VCF-style: chr7-116755523-T-G. GRCh37 (hg19) VCF-style: chr7-116395577-T-G.
Other names: c.1862+8T>G (NM_001127500.3, NM_001324401.3); c.572+8T>G (NM_001324402.2).
Identifiers: ClinVar variation 1158505 (VCV001158505.10), dbSNP rs1366709635, ClinGen allele CA832045377.